The following is an entry in ClinVar:

ClinVar aggregate classification (germline): Uncertain significance (1 of 4 stars; one submission).

Allele frequency attached by ClinVar (database versions not stated): gnomAD exomes below 0.00001; TOPMed 0.00001.
gnomAD v4.1: 2 of 1,614,128 alleles (0.00012%); highest among the groups gnomAD compares: Non-Finnish European, 0.00017%; no homozygotes.

Submission:

GeneDx
Classification: Uncertain significance. Last evaluated: 2023-01-27. Review status: criteria provided, single submitter. Criteria: GeneDx Variant Classification Process June 2021. Collection method: clinical testing. Allele origin: germline. Affected: yes.
Comment: Not observed at significant frequency in large population cohorts (gnomAD); In silico analysis supports that this missense variant has a deleterious effect on protein structure/function; Has not been previously published as pathogenic or benign to our knowledge

NM_000501.4(ELN):c.2134G>A (p.Gly712Arg)

Gene: ELN (elastin; plus strand). Cytogenetic location: 7q11.23.
Variant type: single nucleotide variant.
Coding change: c.2134G>A on transcript NM_000501.4 (MANE Select); coding-DNA position 2134, G replaced by A.
Protein change: p.Gly712Arg; replaces glycine 712 with arginine.
Molecular consequence: missense variant.
Genome position (GRCh38, 1-based): chr7:74,068,659, G>A. VCF-style: chr7-74068659-G-A. GRCh37 (hg19) VCF-style: chr7-73482989-G-A.
Other names: c.1993G>A, p.Gly665Arg (NM_001081752.3); c.2038G>A, p.Gly680Arg (NM_001081753.3); c.2095G>A, p.Gly699Arg (NM_001081754.3); c.2077G>A, p.Gly693Arg (NM_001081755.3); c.2080G>A, p.Gly694Arg (NM_001278912.2); c.1891G>A, p.Gly631Arg (NM_001278913.2); c.2062G>A, p.Gly688Arg (NM_001278914.2); c.2152G>A, p.Gly718Arg (NM_001278915.2); and 4 more; short protein forms G605R, G631R, G646R, G665R, G680R, G688R, G693R, G694R.
Identifiers: ClinVar variation 1300261 (VCV001300261.4), dbSNP rs1359856150, ClinGen allele CA367891960.